The following is an entry in ClinVar:

ClinVar aggregate classification (germline): Likely benign (1 of 4 stars; one submission).

Allele frequency attached by ClinVar (database versions not stated): ExAC 0.00102.

Submission:

CeGaT Center for Human Genetics Tuebingen
Classification: Likely benign. Last evaluated: 2023-01-01. Review status: criteria provided, single submitter. Criteria: CeGaT Center For Human Genetics Tuebingen Variant Classification Criteria Version 2. Collection method: clinical testing. Allele origin: germline. Affected: yes. Observed: 1 variant allele.
Comment: NBPF10: BP4

NM_001302371.3(NBPF10):c.1475A>G (p.Asn492Ser)

Gene: NBPF10 (NBPF member 10; minus strand). Cytogenetic location: 1q21.1.
Variant type: single nucleotide variant.
Coding change: c.1475A>G on transcript NM_001302371.3 (MANE Select); coding-DNA position 1475, A replaced by G.
Protein change: p.Asn492Ser; replaces asparagine 492 with serine.
Molecular consequence: missense variant.
Genome position (GRCh38, 1-based): chr1:146,133,633, T>C on the plus strand (A>G on the coding strand, the complement: NBPF10 is on the minus strand). VCF-style: chr1-146133633-T-C. GRCh37 (hg19) VCF-style: chr1-145304542-A-G.
Other names: c.1475A>G, p.Asn492Ser (NM_001039703.6); short protein forms N492S.
Identifiers: ClinVar variation 2639088 (VCV002639088.24), dbSNP rs782302575, ClinGen allele CA1051670.